The following is an entry in ClinVar:

ClinVar aggregate classification (germline): Likely benign. Review status: criteria provided, multiple submitters, no conflicts (2 of 4 stars). 8 submissions from 4 submitters: Likely benign (7). 1 of the submissions does not count toward it. Last evaluated 2025-07-23.

Conditions:
Encephalopathy due to GLUT1 deficiency. Also called: Classic Glucose Transporter Type 1 Deficiency Syndrome; Glucose transporter protein syndrome; GLUCOSE TRANSPORT DEFECT, BLOOD-BRAIN BARRIER; GLUT1 deficiency syndrome 1, infantile onset, severe; GLUT1 deficiency syndrome 1; De Vivo disease. Identifiers: Orphanet 71277, MedGen C4551966, MONDO:0011724, OMIM 606777.
GLUT1 deficiency syndrome 1, autosomal recessive. Identifiers: MedGen C3149117.
Childhood onset GLUT1 deficiency syndrome 2. Also called: PAROXYSMAL EXERCISE-INDUCED DYSKINESIA WITH OR WITHOUT EPILEPSY AND/OR HEMOLYTIC ANEMIA; PAROXYSMAL EXERTION-INDUCED DYSTONIA WITH OR WITHOUT EPILEPSY AND/OR HEMOLYTIC ANEMIA; PED WITH OR WITHOUT EPILEPSY AND/OR HEMOLYTIC ANEMIA; Exertion-induced paroxysmal dyskinesia; Paroxysmal exercise-induced dystonia; PxMD-SLC2A1. Identifiers: Orphanet 98811, MedGen C1842534, MONDO:0012805, OMIM 612126.
Inborn genetic diseases. Identifiers: MedGen C0950123, MeSH D030342.
SLC2A1-related disorder. Also called: SLC2A1-related disorders; SLC2A1-related condition.
Hereditary cryohydrocytosis with reduced stomatin. Also called: Stomatin-deficient cryohydrocytosis with neurologic defects; GLUT1 DEFICIENCY SYNDROME WITH PSEUDOHYPERKALEMIA AND HEMOLYSIS. Identifiers: Orphanet 168577, MedGen C1837206, MONDO:0012143, OMIM 608885.
Dystonia 9 (DYT9). Also called: CHOREOATHETOSIS, KINESIGENIC, WITH EPISODIC ATAXIA AND SPASTICITY. Identifiers: Orphanet 53583, MedGen C1832855, MONDO:0010983, OMIM 601042.
Epilepsy, idiopathic generalized, susceptibility to, 12 (EIG12). Identifiers: MedGen C3553859, MONDO:0013919, OMIM 614847.

Allele frequency attached by ClinVar (database versions not stated): gnomAD 0.00001; ExAC 0.00002; gnomAD exomes 0.00002; TOPMed 0.00002.
gnomAD v4.1: 35 of 1,614,004 alleles (0.0022%); highest among the groups gnomAD compares: Non-Finnish European, 0.0028%; no homozygotes.

Submissions (8):

Labcorp Genetics (formerly Invitae), Labcorp
Classification: Likely benign for GLUT1 deficiency syndrome 1, autosomal recessive. Last evaluated: 2025-07-23. Review status: criteria provided, single submitter. Criteria: Invitae Variant Classification Sherloc (09022015). Collection method: clinical testing. Allele origin: germline.

Genome-Nilou Lab
Classification: Likely benign for Epilepsy, idiopathic generalized, susceptibility to, 12. Last evaluated: 2023-04-11. Review status: criteria provided, single submitter. Criteria: ACMG Guidelines, 2015. Collection method: clinical testing. Allele origin: germline. Affected: no.

Genome-Nilou Lab
Classification: Likely benign for Dystonia 9. Last evaluated: 2023-04-11. Review status: criteria provided, single submitter. Criteria: ACMG Guidelines, 2015. Collection method: clinical testing. Allele origin: germline. Affected: no.

Genome-Nilou Lab
Classification: Likely benign for Encephalopathy due to GLUT1 deficiency. Last evaluated: 2023-04-11. Review status: criteria provided, single submitter. Criteria: ACMG Guidelines, 2015. Collection method: clinical testing. Allele origin: germline. Affected: no.

Genome-Nilou Lab
Classification: Likely benign for Childhood onset GLUT1 deficiency syndrome 2. Last evaluated: 2023-04-11. Review status: criteria provided, single submitter. Criteria: ACMG Guidelines, 2015. Collection method: clinical testing. Allele origin: germline. Affected: no.

Genome-Nilou Lab
Classification: Likely benign for Hereditary cryohydrocytosis with reduced stomatin. Last evaluated: 2023-04-11. Review status: criteria provided, single submitter. Criteria: ACMG Guidelines, 2015. Collection method: clinical testing. Allele origin: germline. Affected: no.

Ambry Genetics
Classification: Likely benign for Inborn genetic diseases. Last evaluated: 2019-06-07. Review status: criteria provided, single submitter. Criteria: Ambry Variant Classification Scheme 2023. Collection method: clinical testing. Allele origin: germline.

PreventionGenetics, part of Exact Sciences
Classification: Likely benign for SLC2A1-related condition. Last evaluated: 2022-09-06. Review status: no assertion criteria provided. Collection method: clinical testing. Allele origin: germline. Not counted in ClinVar's aggregate classification.
Comment: This variant is classified as likely benign based on ACMG/AMP sequence variant interpretation guidelines (Richards et al. 2015 PMID: 25741868, with internal and published modifications).

NM_006516.4(SLC2A1):c.1134C>T (p.Phe378=)

Gene: SLC2A1 (solute carrier family 2 member 1; minus strand). Cytogenetic location: 1p34.2.
Variant type: single nucleotide variant.
Coding change: c.1134C>T on transcript NM_006516.4 (MANE Select); coding-DNA position 1134, C replaced by T.
Protein change: p.Phe378=; no amino-acid change (phenylalanine 378 retained).
Molecular consequence: synonymous variant.
Genome position (GRCh38, 1-based): chr1:42,927,749, G>A on the plus strand (C>T on the coding strand, the complement: SLC2A1 is on the minus strand). VCF-style: chr1-42927749-G-A. GRCh37 (hg19) VCF-style: chr1-43393420-G-A.
Identifiers: ClinVar variation 747060 (VCV000747060.13), dbSNP rs758184335, ClinGen allele CA803334.
Genomic context (GRCh38, chr1:42,927,749, plus strand): 5'-ACCCTGGCTGAAGAGTTCAGCCACGATGAACCATGGGATGGGGCCAGGACCCACTTCAAA[G>A]AAGGCCACAAAGCCAAAGATGGCCACGATGCTCAGATAGGACATCCAGGGTAGCTGCTCC-3'
Protein context (NP_006507.2, residues 368-388): SIVAIFGFVA[Phe378=]FEVGPGPIPW